The following is an entry in ClinVar:

NM_001191061.2(SLC25A22):c.964C>T (p.Gln322Ter)

Gene: SLC25A22 (solute carrier family 25 member 22; minus strand). Cytogenetic location: 11p15.5.
Variant type: single nucleotide variant.
Coding change: c.964C>T on transcript NM_001191061.2 (MANE Select); coding-DNA position 964, C replaced by T.
Protein change: p.Gln322Ter; replaces glutamine 322 with a stop codon.
Molecular consequence: nonsense. On other transcripts: 3 prime UTR variant (2).
Genome position (GRCh38, 1-based): chr11:791,923, G>A on the plus strand (C>T on the coding strand, the complement: SLC25A22 is on the minus strand). VCF-style: chr11-791923-G-A. GRCh37 (hg19) VCF-style: chr11-791923-G-A.
Other names: c.964C>T, p.Gln322Ter (NM_001191060.2, NM_001425337.1, NM_001425338.1 and 2 more transcripts); c.1039C>T, p.Gln347Ter (NM_001425334.1); c.1003C>T, p.Gln335Ter (NM_001425335.1); c.979C>T, p.Gln327Ter (NM_001425336.1); c.961C>T, p.Gln321Ter (NM_001425340.1); c.952C>T, p.Gln318Ter (NM_001425341.1); c.*108C>T (NM_001425342.1); c.*144C>T (NM_001425343.1); and 1 more; short protein forms Q216*, Q318*, Q321*, Q322*, Q327*, Q335*, Q347*.
Identifiers: ClinVar variation 5037754 (VCV005037754.1).

ClinVar aggregate classification (germline): Uncertain significance (1 of 4 stars; one submission).

gnomAD v4.1: 7 of 1,598,428 alleles (0.00044%); highest among the groups gnomAD compares: Non-Finnish European, 0.00059%; no homozygotes.

Submission:

GeneDx
Classification: Uncertain significance. Last evaluated: 2026-04-17. Review status: criteria provided, single submitter. Criteria: GeneDx Variant Classification Process June 2021. Collection method: clinical testing. Allele origin: germline.
Comment: Not observed at significant frequency in large population cohorts (gnomAD); Nonsense variant predicted to result in protein truncation as the last 2 amino acid(s) are lost; Has not been previously published as pathogenic or benign to our knowledge